The following is an entry in ClinVar:

ClinVar aggregate classification (germline): Uncertain significance. Review status: criteria provided, multiple submitters, no conflicts (2 of 4 stars). 2 submissions from 2 submitters: Uncertain significance (2). Last evaluated 2026-01-15.

Conditions:
Tumor predisposition syndrome 3 (TPDS3). Also called: Melanoma, cutaneous malignant, susceptibility to, 10; LONG TELOMERE SYNDROME, POT1-RELATED; POT1 Tumor Predisposition; Glioma susceptibility 9. Identifiers: Orphanet 618, MedGen C4014476, MONDO:0014368, OMIM 615848.
Hereditary cancer-predisposing syndrome. Also called: Neoplastic Syndromes, Hereditary; Hereditary neoplastic syndrome; Hereditary Cancer Syndrome; Tumor predisposition. Identifiers: Orphanet 140162, MedGen C0027672, MeSH D009386, MONDO:0015356.

Submissions (2):

Ambry Genetics
Classification: Uncertain significance for Hereditary cancer-predisposing syndrome. Last evaluated: 2026-01-15. Review status: criteria provided, single submitter. Criteria: Ambry Variant Classification Scheme 2023. Collection method: clinical testing. Allele origin: germline.
Comment: The p.S417L variant (also known as c.1250C>T), located in coding exon 10 of the POT1 gene, results from a C to T substitution at nucleotide position 1250. The serine at codon 417 is replaced by leucine, an amino acid with dissimilar properties. This amino acid position is conserved. In addition, this alteration is predicted to be tolerated by in silico analysis. Based on the available evidence, the clinical significance of this variant remains unclear.

Labcorp Genetics (formerly Invitae), Labcorp
Classification: Uncertain significance for Tumor predisposition syndrome 3. Last evaluated: 2023-12-30. Review status: criteria provided, single submitter. Criteria: Invitae Variant Classification Sherloc (09022015). Collection method: clinical testing. Allele origin: germline.
Comment: This sequence change replaces serine, which is neutral and polar, with leucine, which is neutral and non-polar, at codon 417 of the POT1 protein (p.Ser417Leu). This variant is not present in population databases (gnomAD no frequency). This variant has not been reported in the literature in individuals affected with POT1-related conditions. Advanced modeling of protein sequence and biophysical properties (such as structural, functional, and spatial information, amino acid conservation, physicochemical variation, residue mobility, and thermodynamic stability) performed at Invitae indicates that this missense variant is not expected to disrupt POT1 protein function with a negative predictive value of 80%. In summary, the available evidence is currently insufficient to determine the role of this variant in disease. Therefore, it has been classified as a Variant of Uncertain Significance.

NM_015450.3(POT1):c.1250C>T (p.Ser417Leu)

Gene: POT1 (protection of telomeres 1; minus strand). Cytogenetic location: 7q31.33.
Variant type: single nucleotide variant.
Coding change: c.1250C>T on transcript NM_015450.3 (MANE Select); coding-DNA position 1250, C replaced by T.
Protein change: p.Ser417Leu; replaces serine 417 with leucine.
Molecular consequence: missense variant. On other transcripts: non-coding transcript variant (3).
Genome position (GRCh38, 1-based): chr7:124,841,092, G>A on the plus strand (C>T on the coding strand, the complement: POT1 is on the minus strand). VCF-style: chr7-124841092-G-A. GRCh37 (hg19) VCF-style: chr7-124481146-G-A.
Other names: c.1250C>T (NM_015450.2); c.857C>T, p.Ser286Leu (NM_001042594.2); short protein forms S286L, S417L.
Identifiers: ClinVar variation 2807715 (VCV002807715.4), dbSNP rs2485394972, ClinGen allele CA369067419.